The following is an entry in ClinVar:

ClinVar aggregate classification (germline): Uncertain significance. Review status: criteria provided, single submitter (1 of 4 stars). 2 submissions from 2 submitters: Uncertain significance (1). 1 of the submissions does not count toward it. Last evaluated 2018-01-13.

Conditions:
EVC-related disorder. Also called: EVC-related condition; EVC-related disorders.
Ellis-van Creveld syndrome (EVC). Also called: Chondroectodermal dysplasia; MESOECTODERMAL DYSPLASIA. Identifiers: Orphanet 289, MedGen C0013903, MONDO:0009162, OMIM 225500.

Allele frequency attached by ClinVar (database versions not stated): TOPMed 0.00094; 1000 Genomes Project 30x 0.00047; ESP Exome Variant Server 0.00062; ExAC 0.00025; 1000 Genomes Project 0.00060.
gnomAD v4.1: 194 of 1,609,020 alleles (0.012%); highest among the groups gnomAD compares: African/African-American, 0.25%; 1 homozygote.

Submissions (2):

Illumina Laboratory Services, Illumina
Classification: Uncertain significance for Ellis-van Creveld syndrome. Last evaluated: 2018-01-13. Review status: criteria provided, single submitter. Criteria: ICSL Variant Classification Criteria 13 December 2019. Collection method: clinical testing. Allele origin: germline.

PreventionGenetics, part of Exact Sciences
Classification: Likely benign for EVC-related condition. Last evaluated: 2019-07-30. Review status: no assertion criteria provided. Collection method: clinical testing. Allele origin: germline. Not counted in ClinVar's aggregate classification.
Comment: This variant is classified as likely benign based on ACMG/AMP sequence variant interpretation guidelines (Richards et al. 2015 PMID: 25741868, with internal and published modifications).

NM_153717.3(EVC):c.*3T>G

Gene: EVC (EvC ciliary complex subunit 1; plus strand). Cytogenetic location: 4p16.2.
Variant type: single nucleotide variant.
Coding change: c.*3T>G on transcript NM_153717.3 (MANE Select); 3 bases downstream of the stop codon, T replaced by G.
Molecular consequence: 3 prime UTR variant.
Genome position (GRCh38, 1-based): chr4:5,811,040, T>G. VCF-style: chr4-5811040-T-G. GRCh37 (hg19) VCF-style: chr4-5812767-T-G.
Other names: c.*3T>G (NM_001306090.2).
Identifiers: ClinVar variation 904523 (VCV000904523.6), dbSNP rs368249789, ClinGen allele CA2836780.
Genomic context (GRCh38, chr4:5,811,040, plus strand): 5'-TGAAGCTGGGGACAGTGGGAACTCAAAGAAGATGCTAAAGAGAAGAAGCAACTTGTAGTT[T>G]AAGACCAGTCGGTGGGACAAGACCTGAAGCCCTGGGTCTGGGTGTGAATTCCACCTTCCC-3'